The following is an entry in ClinVar:

ClinVar aggregate classification (germline): Pathogenic (1 of 4 stars; one submission).

Conditions:
GNPTAB-mucolipidosis. Also called: UDP-N-acetylglucosamine-1-phosphotransferase subunit alpha/beta deficiency. Identifiers: MedGen CN322573, MONDO:0100122.

Submission:

Myriad Genetics, Inc.
Classification: Pathogenic for GNPTAB-mucolipidosis. Last evaluated: 2024-06-13. Review status: criteria provided, single submitter. Criteria: Myriad Autosomal Dominant, Autosomal Recessive and X-Linked Classification Criteria (2023). Collection method: clinical testing. Allele origin: unknown.
Comment: NM_024312.4(GNPTAB):c.1879delA(M627Cfs*3) is expected to be pathogenic in the context of GNPTAB-related disorders. This variant is predicted to lead to an abnormal or absent protein product due to the creation of a premature termination codon in GNPTAB, a gene where loss-of-function variants are known to be pathogenic. Please note: this variant was assessed in the context of healthy population screening.

NM_024312.5(GNPTAB):c.1879del (p.Met627fs)

Gene: GNPTAB (N-acetylglucosamine-1-phosphate transferase subunits alpha and beta; minus strand). Cytogenetic location: 12q23.2.
Variant type: Deletion.
Coding change: c.1879del on transcript NM_024312.5 (MANE Select); coding-DNA position 1879, one base deleted (A; older notation c.1879delA).
Protein change: p.Met627fs; shifts the reading frame from methionine 627.
Molecular consequence: frameshift variant.
Genome position (GRCh38, 1-based): chr12:101,765,038, T deleted on the plus strand (A on the coding strand, the reverse complement: GNPTAB is on the minus strand); the first of 4 consecutive T bases (chr12:101,765,038-101,765,041); deleting any one gives the same sequence. VCF-style (leftmost placement, unchanged base first): chr12-101765037-AT-A. GRCh37 (hg19) VCF-style: chr12-102158815-AT-A.
Other names: short protein forms M627fs.
Identifiers: ClinVar variation 5013173 (VCV005013173.1).